The following is an entry in ClinVar:

ClinVar aggregate classification (germline): Uncertain significance. Review status: criteria provided, multiple submitters, no conflicts (2 of 4 stars). 7 submissions from 6 submitters: Uncertain significance (7). Last evaluated 2026-07-01.

Conditions:
Inborn genetic diseases. Identifiers: MedGen C0950123, MeSH D030342.
Aortic aneurysm, familial thoracic 4 (AAT4). Also called: AORTIC ANEURYSM/AORTIC DISSECTION AND PATENT DUCTUS ARTERIOSUS. Identifiers: MedGen C1851504, MONDO:0007568, OMIM 132900.
Familial thoracic aortic aneurysm and aortic dissection (TAAD). Also called: Thoracic aortic aneurysms and dissections. Identifiers: Orphanet 91387, MedGen C4707243, MONDO:0019625.

Allele frequency attached by ClinVar (database versions not stated): gnomAD 0.00001; gnomAD exomes 0.00001; TOPMed 0.00002.
gnomAD v4.1: 8 of 1,614,008 alleles (0.0005%); highest among the groups gnomAD compares: Middle Eastern, 0.033%; no homozygotes.

Submissions (7):

CeGaT Center for Human Genetics Tuebingen
Classification: Uncertain significance. Last evaluated: 2026-07-01. Review status: criteria provided, single submitter. Criteria: CeGaT Center For Human Genetics Tuebingen Variant Classification Criteria Version 2. Collection method: clinical testing. Allele origin: germline. Affected: yes. Observed: 1 variant allele.
Comment: MYH11: PM2; NDE1: PM2

Labcorp Genetics (formerly Invitae), Labcorp
Classification: Uncertain significance for Aortic aneurysm, familial thoracic 4. Last evaluated: 2025-11-19. Review status: criteria provided, single submitter. Criteria: Invitae Variant Classification Sherloc (09022015). Collection method: clinical testing. Allele origin: germline.
Comment: This sequence change replaces aspartic acid, which is acidic and polar, with glycine, which is neutral and non-polar, at codon 1444 of the MYH11 protein (p.Asp1444Gly). This variant is not present in population databases (gnomAD no frequency). This variant has not been reported in the literature in individuals affected with MYH11-related conditions. ClinVar contains an entry for this variant (Variation ID: 649324). Invitae Evidence Modeling of protein sequence and biophysical properties (such as structural, functional, and spatial information, amino acid conservation, physicochemical variation, residue mobility, and thermodynamic stability) indicates that this missense variant is not expected to disrupt MYH11 protein function with a negative predictive value of 95%. In summary, the available evidence is currently insufficient to determine the role of this variant in disease. Therefore, it has been classified as a Variant of Uncertain Significance.

Ambry Genetics
Classification: Uncertain significance for Familial thoracic aortic aneurysm and aortic dissection. Last evaluated: 2025-08-20. Review status: criteria provided, single submitter. Criteria: Ambry Variant Classification Scheme 2023. Collection method: clinical testing. Allele origin: germline.
Comment: The p.D1437G variant (also known as c.4310A>G), located in coding exon 30 of the MYH11 gene, results from an A to G substitution at nucleotide position 4310. The aspartic acid at codon 1437 is replaced by glycine, an amino acid with similar properties. This amino acid position is conserved. In addition, this alteration is predicted to be deleterious by in silico analysis. Based on the available evidence, the clinical significance of this variant remains unclear.

Ambry Genetics
Classification: Uncertain significance for Inborn genetic diseases. Last evaluated: 2025-08-07. Review status: criteria provided, single submitter. Criteria: Ambry Variant Classification Scheme 2023. Collection method: clinical testing. Allele origin: germline.

GeneDx
Classification: Uncertain significance. Last evaluated: 2024-03-13. Review status: criteria provided, single submitter. Criteria: GeneDx Variant Classification Process June 2021. Collection method: clinical testing. Allele origin: germline. Affected: yes.
Comment: Not observed at significant frequency in large population cohorts (gnomAD); In silico analysis supports that this missense variant has a deleterious effect on protein structure/function; Has not been previously published as pathogenic or benign to our knowledge

Color Diagnostics, LLC DBA Color Health
Classification: Uncertain significance for Familial thoracic aortic aneurysm and aortic dissection. Last evaluated: 2024-03-06. Review status: criteria provided, single submitter. Criteria: ACMG Guidelines, 2015. Collection method: clinical testing. Allele origin: germline.
Comment: This missense variant replaces aspartic acid with glycine at codon 1444 of the MYH11 protein. Computational prediction suggests that this variant may have deleterious impact on protein structure and function (internally defined REVEL score threshold >= 0.7, PMID: 27666373). To our knowledge, functional studies have not been reported for this variant. This variant has not been reported in individuals affected with cardiovascular disorders in the literature. This variant has not been identified in the general population by the Genome Aggregation Database (gnomAD). The available evidence is insufficient to determine the role of this variant in disease conclusively. Therefore, this variant is classified as a Variant of Uncertain Significance.

All of Us Research Program, National Institutes of Health
Classification: Uncertain significance for Familial thoracic aortic aneurysm and aortic dissection. Last evaluated: 2023-04-03. Review status: criteria provided, single submitter. Criteria: ACMG Guidelines, 2015. Collection method: clinical testing. Allele origin: germline. Inheritance: Autosomal dominant inheritance. Observed: 1 variant allele, 1 heterozygote.
Comment: This missense variant replaces aspartic acid with glycine at codon 1444 of the MYH11 protein. Computational prediction suggests that this variant may have deleterious impact on protein structure and function (internally defined REVEL score threshold >= 0.7, PMID: 27666373). To our knowledge, functional studies have not been reported for this variant. This variant has not been reported in individuals affected with cardiovascular disorders in the literature. This variant has not been identified in the general population by the Genome Aggregation Database (gnomAD). The available evidence is insufficient to determine the role of this variant in disease conclusively. Therefore, this variant is classified as a Variant of Uncertain Significance.

This study involves interpretation of variants in research participants for the purpose of population health screening. Participant phenotype was not available at the time of variant classification. Additional details can be found in publication PMID: 35346344, PMCID: PMC8962531

NM_002474.3(MYH11):c.4310A>G (p.Asp1437Gly)

Genes: MYH11 (myosin heavy chain 11; minus strand), NDE1 (nudE neurodevelopment protein 1; plus strand). Cytogenetic location: 16p13.11.
Variant type: single nucleotide variant.
Coding change: c.4310A>G on transcript NM_002474.3 (MANE Select); coding-DNA position 4310, A replaced by G.
Protein change: p.Asp1437Gly; replaces aspartic acid 1437 with glycine.
Molecular consequence: missense variant.
Genome position (GRCh38, 1-based): chr16:15,724,216, T>C on the plus strand (A>G on the coding strand, the complement: MYH11 is on the minus strand). VCF-style: chr16-15724216-T-C. GRCh37 (hg19) VCF-style: chr16-15818073-T-C.
Other names: c.4331A>G, p.Asp1444Gly (NM_001040113.2, NM_001040114.2); c.4310A>G, p.Asp1437Gly (NM_022844.3); c.973T>C, p.Ser325Pro (NM_001143979.2, NM_017668.3); c.973T>C (NM_001143979.1); c.4310A>G (NM_002474.2); short protein forms D1437G, D1444G, S325P.
Identifiers: ClinVar variation 649324 (VCV000649324.13), dbSNP rs919816656, ClinGen allele CA278605717.